The following is an entry in ClinVar:

NM_033118.4(MYLK2):c.1405G>C (p.Gly469Arg)

Gene: MYLK2 (myosin light chain kinase 2; plus strand). Cytogenetic location: 20q11.21.
Variant type: single nucleotide variant.
Coding change: c.1405G>C on transcript NM_033118.4 (MANE Select); coding-DNA position 1405, G replaced by C.
Protein change: p.Gly469Arg; replaces glycine 469 with arginine.
Molecular consequence: missense variant.
Genome position (GRCh38, 1-based): chr20:31,831,122, G>C. VCF-style: chr20-31831122-G-C. GRCh37 (hg19) VCF-style: chr20-30418925-G-C.
Other names: short protein forms G469R.
Identifiers: ClinVar variation 570326 (VCV000570326.10), dbSNP rs1568634635, ClinGen allele CA408527821.

ClinVar aggregate classification (germline): Uncertain significance. Review status: criteria provided, multiple submitters, no conflicts (2 of 4 stars). 2 submissions from 2 submitters: Uncertain significance (2). Last evaluated 2025-09-28.

Conditions:
Hypertrophic cardiomyopathy 1 (CMH1). Also called: MYH7-Related Familial Hypertrophic Cardiomyopathy; Familial hypertrophic cardiomyopathy 1. Identifiers: MedGen C3495498, MONDO:0008647, OMIM 192600.

Allele frequency attached by ClinVar (database versions not stated): gnomAD exomes below 0.00001.
gnomAD v4.1: 6 of 1,614,120 alleles (0.00037%); highest among the groups gnomAD compares: Non-Finnish European, 0.00042%; no homozygotes.

Submissions (2):

Labcorp Genetics (formerly Invitae), Labcorp
Classification: Uncertain significance for Hypertrophic cardiomyopathy 1. Last evaluated: 2025-09-28. Review status: criteria provided, single submitter. Criteria: Invitae Variant Classification Sherloc (09022015). Collection method: clinical testing. Allele origin: germline.
Comment: This sequence change replaces glycine, which is neutral and non-polar, with arginine, which is basic and polar, at codon 469 of the MYLK2 protein (p.Gly469Arg). This variant is not present in population databases (gnomAD no frequency). This variant has not been reported in the literature in individuals affected with MYLK2-related conditions. ClinVar contains an entry for this variant (Variation ID: 570326). Invitae Evidence Modeling of protein sequence and biophysical properties (such as structural, functional, and spatial information, amino acid conservation, physicochemical variation, residue mobility, and thermodynamic stability) indicates that this missense variant is expected to disrupt MYLK2 protein function with a positive predictive value of 80%. In summary, the available evidence is currently insufficient to determine the role of this variant in disease. Therefore, it has been classified as a Variant of Uncertain Significance.

Ambry Genetics
Classification: Uncertain significance. Last evaluated: 2022-07-29. Review status: criteria provided, single submitter. Criteria: Ambry Variant Classification Scheme 2023. Collection method: clinical testing. Allele origin: germline.
Comment: The p.G469R variant (also known as c.1405G>C), located in coding exon 9 of the MYLK2 gene, results from a G to C substitution at nucleotide position 1405. The glycine at codon 469 is replaced by arginine, an amino acid with dissimilar properties. This amino acid position is conserved. In addition, this alteration is predicted to be deleterious by in silico analysis. Since supporting evidence is limited at this time, the clinical significance of this alteration remains unclear.